The following is an entry in ClinVar:

NM_016373.4(WWOX):c.1204G>C (p.Glu402Gln)

Genes: MAF (MAF bZIP transcription factor; minus strand), WWOX (WW domain containing oxidoreductase; plus strand). Cytogenetic location: 16q23.2.
Variant type: single nucleotide variant.
Coding change: c.1204G>C on transcript NM_016373.4 (MANE Select); coding-DNA position 1204, G replaced by C.
Protein change: p.Glu402Gln; replaces glutamic acid 402 with glutamine.
Molecular consequence: missense variant.
Genome position (GRCh38, 1-based): chr16:79,211,755, G>C. VCF-style: chr16-79211755-G-C. GRCh37 (hg19) VCF-style: chr16-79245652-G-C.
Other names: c.865G>C, p.Glu289Gln (NM_001291997.2); c.1204G>C (NM_016373.2); short protein forms E289Q, E402Q.
Identifiers: ClinVar variation 1005203 (VCV001005203.6), dbSNP rs200839945, ClinGen allele CA8183793.

ClinVar aggregate classification (germline): Uncertain significance. Review status: criteria provided, multiple submitters, no conflicts (2 of 4 stars). 2 submissions from 2 submitters: Uncertain significance (2). Last evaluated 2024-04-01.

Conditions:
Inborn genetic diseases. Identifiers: MedGen C0950123, MeSH D030342.
Developmental and epileptic encephalopathy, 1 (DEE1). Also called: X-linked infantile spasms; West's syndrome; Tonic spasms with clustering, arrest of psychomotor development and hypsarrhythmia on EEG; X-Linked Infantile Spasm Syndrome; OHTAHARA SYNDROME, X-LINKED; Epileptic encephalopathy, early infantile, 1. Identifiers: MedGen C3463992, MONDO:0010632, OMIM 308350. Disease mechanism: loss of function.
Autosomal recessive spinocerebellar ataxia 12. Also called: SPINOCEREBELLAR ATAXIA WITH MENTAL RETARDATION AND EPILEPSY. Identifiers: Orphanet 284282, MedGen C3280452, MONDO:0013687, OMIM 614322.

gnomAD v4.1: 9 of 1,614,082 alleles (0.00056%); highest among the groups gnomAD compares: Admixed American, 0.01%; no homozygotes.

Submissions (2):

Labcorp Genetics (formerly Invitae), Labcorp
Classification: Uncertain significance for Developmental and epileptic encephalopathy, 1; Autosomal recessive spinocerebellar ataxia 12. Last evaluated: 2024-04-01. Review status: criteria provided, single submitter. Criteria: Invitae Variant Classification Sherloc (09022015). Collection method: clinical testing. Allele origin: germline.
Comment: This sequence change replaces glutamic acid, which is acidic and polar, with glutamine, which is neutral and polar, at codon 402 of the WWOX protein (p.Glu402Gln). This variant is present in population databases (rs200839945, gnomAD 0.02%). This variant has not been reported in the literature in individuals affected with WWOX-related conditions. ClinVar contains an entry for this variant (Variation ID: 1005203). Advanced modeling of protein sequence and biophysical properties (such as structural, functional, and spatial information, amino acid conservation, physicochemical variation, residue mobility, and thermodynamic stability) performed at Invitae indicates that this missense variant is not expected to disrupt WWOX protein function with a negative predictive value of 80%. In summary, the available evidence is currently insufficient to determine the role of this variant in disease. Therefore, it has been classified as a Variant of Uncertain Significance.

Ambry Genetics
Classification: Uncertain significance for Inborn genetic diseases. Last evaluated: 2022-08-30. Review status: criteria provided, single submitter. Criteria: Ambry Variant Classification Scheme 2023. Collection method: clinical testing. Allele origin: germline.